The following is an entry in ClinVar:

ClinVar aggregate classification (germline): Pathogenic. Review status: reviewed by expert panel (3 of 4 stars). 6 submissions from 6 submitters: Pathogenic (1). 5 of the submissions do not count toward it. Last evaluated 2017-04-03.
ClinVar aggregate classification (somatic clinical impact): Tier II - Potential (1 of 4 stars; one submission).

Conditions:
Cardio-facio-cutaneous syndrome. Also called: Cardiofaciocutaneous syndrome; CFC syndrome. Identifiers: Orphanet 1340, MedGen C1275081, MONDO:0015280. Disease mechanism: gain of function.
RASopathy. Also called: rasopathies; Noonan spectrum disorder. Identifiers: Orphanet 536391, MedGen C5555857, MONDO:0021060.
Cardiofaciocutaneous syndrome 1 (CFC1). Also called: BRAF-Related Cardiofaciocutaneous Syndrome. Identifiers: Orphanet 1340, MedGen CN029449, MONDO:0007265, OMIM 115150. Disease mechanism: gain of function.
Embryonal rhabdomyosarcoma (ERMS). Also called: Botryoid rhabdomyosarcoma (type of ERMS); Spindle cell rhabdomyosarcomas (type of ERMS). Identifiers: Orphanet 99757, MedGen C0206656, MONDO:0009993, HP:0006743.

Submissions (7):

ClinGen RASopathy Variant Curation Expert Panel
Classification: Pathogenic for Cardio-facio-cutaneous syndrome. Last evaluated: 2017-04-03. Review status: reviewed by expert panel. Criteria: ClinGen RASopathy ACMG Specifications v1. Collection method: curation. Allele origin: germline. Inheritance: Autosomal dominant inheritance.
Comment: The c.730A>C (p.Thr244Pro) variant in BRAF has been reported in the literature as a de novo occurrence in at least 2 patients with clinical features of a RASopathy (PM6 and PS2; PMID 17551924 and 18042262). This variant was absent from large population studies (PM2; ExAC). The variant is located in the BRAF gene, which has been defined by the ClinGen RASopathy Expert Panel as a gene with a low rate of benign missense variants and pathogenic missense variants are common (PP2; PMID 29493581). This variant is in a location which has been defined by the ClinGen RASopathy Expert Panel to be a mutational hotspot or domain of BRAF (PM1; PMID 29493581). Computational prediction tools and conservation analysis suggest that the p.Thr244Pro variant may impact the protein (PP3). In summary, this variant meets criteria to be classified as pathogenic for RASopathies in an autosomal dominant manner. Rasopathy-specific ACMG/AMP criteria applied (PMID:29493581): PP2, PP3, PM1, PM2, PM6, PS2.

Institute for Genomic Medicine (IGM) Clinical Laboratory, Nationwide Children's Hospital
Classification: Tier II - Potential for Embryonal rhabdomyosarcoma. Assertion type: diagnostic. Clinical significance: supports diagnosis. Last evaluated: 2023-09-13. Review status: criteria provided, single submitter. Criteria: AMP/ASCO/CAP Guidelines, 2017. Collection method: clinical testing. Allele origin: somatic. Affected: yes.
Comment: Variant has Tier II (potential) clinical significance as a diagnostic inclusion criterion in embryonal rhabdomyosarcoma, based on the following evidence: 1) Diagnostic significance based on multiple small studies (Evidence Level C; PMIDs: 22142829, 34755412, 37392767).

GeneDx
Classification: Pathogenic. Last evaluated: 2023-03-09. Review status: criteria provided, single submitter. Criteria: GeneDx Variant Classification Process June 2021. Collection method: clinical testing. Allele origin: germline. Affected: yes. Not counted in ClinVar's aggregate classification.
Comment: In silico analysis supports that this missense variant does not alter protein structure/function; Not observed at significant frequency in large population cohorts (gnomAD); Missense variants in this gene are often considered pathogenic (HGMD); This variant is associated with the following publications: (PMID: 26150740, 18042262, 17551924, 24803665, 27521173, 30050098, 29907801, 24957944, 15488754, 16439621, 15520807, 17603483, 29493581)

Women's Health and Genetics/Laboratory Corporation of America, LabCorp
Classification: Pathogenic for Cardio-facio-cutaneous syndrome. Last evaluated: 2023-02-20. Review status: criteria provided, single submitter. Criteria: LabCorp Variant Classification Summary - May 2015. Collection method: clinical testing. Allele origin: germline. Not counted in ClinVar's aggregate classification.
Comment: Variant summary: BRAF c.730A>C (p.Thr244Pro) results in a non-conservative amino acid change located in the Protein kinase C-like, phorbol ester/diacylglycerol-binding domain (IPR002219) of the encoded protein sequence. Four of four in-silico tools predict a damaging effect of the variant on protein function. The variant was absent in 249582 control chromosomes (gnomAD). c.730A>C has been reported in the literature in multiple individuals affected with Cardiofaciocutaneous Syndrome, Noonan syndrome and related conditions (Gripp_2007, Schulz_2008, Rodriguez-Viciana_2008, van Trier_2016, Leach_2018), including one de novo case. These data indicate that the variant is very likely to be associated with disease. To our knowledge, no experimental evidence demonstrating an impact on protein function has been reported. Four ClinVar submitters, including ClinGen RASopathy Variant Curation Expert Panel, (evaluation after 2014) cite this variant as pathogenic. Based on the evidence outlined above, the variant was classified as pathogenic.

Labcorp Genetics (formerly Invitae), Labcorp
Classification: Pathogenic for RASopathy. Last evaluated: 2019-07-31. Review status: criteria provided, single submitter. Criteria: Invitae Variant Classification Sherloc (09022015). Collection method: clinical testing. Allele origin: germline. Not counted in ClinVar's aggregate classification.
Comment: For these reasons, this variant has been classified as Pathogenic. This sequence change replaces threonine with proline at codon 244 of the BRAF protein (p.Thr244Pro). The threonine residue is highly conserved and there is a small physicochemical difference between threonine and proline. This variant is not present in population databases (ExAC no frequency). This variant has been observed in individuals with clinical features of the RASopathies spectrum. This variant occurred de novo in two of these affected individuals (PMID: 17551924, 27521173, 18042262). ClinVar contains an entry for this variant (Variation ID: 40346). Algorithms developed to predict the effect of missense changes on protein structure and function are either unavailable or do not agree on the potential impact of this missense change (SIFT: "Tolerated"; PolyPhen-2: "Possibly Damaging"; Align-GVGD: "Class C0").

Laboratory for Molecular Medicine, Mass General Brigham Personalized Medicine
Classification: Pathogenic for Cardio-facio-cutaneous syndrome. Last evaluated: 2014-11-19. Review status: criteria provided, single submitter. Criteria: LMM Criteria. Collection method: clinical testing. Allele origin: germline. Inheritance: Autosomal dominant inheritance. Observed: 3 variant alleles. Not counted in ClinVar's aggregate classification.
Comment: The p.Thr244Pro variant in BRAF has been reported in the literature and our labo ratory in 6 individuals with RASopathies, three of which occurred de novo (Gripp 2007, Schulz 2008, LMM unpublished data). It was absent from large population s tudies. In summary, this variant meets our criteria to be classified as pathogen ic for RASopathies in an autosomal dominant manner (onalizedmedicine/LMM) based upon de novo occurences and absence from controls.

Clinical Genetics Service, Universitary Hospital 12 de Octubre
Classification: Pathogenic for Cardiofaciocutaneous syndrome 1. Review status: criteria provided, single submitter. Criteria: ACMG Guidelines, 2015. Collection method: clinical testing. Allele origin: de novo. Affected: yes. Not counted in ClinVar's aggregate classification.

Literature cited by the submitters: PubMed 22142829 (cited by Institute for Genomic Medicine (IGM) Clinical Laboratory, Nationwide Children's Hospital); PubMed 34755412 (cited by Institute for Genomic Medicine (IGM) Clinical Laboratory, Nationwide Children's Hospital); PubMed 37392767 (cited by Institute for Genomic Medicine (IGM) Clinical Laboratory, Nationwide Children's Hospital); PubMed 19416762 (cited by Women's Health and Genetics/Laboratory Corporation of America, LabCorp); PubMed 19206169 (cited by Women's Health and Genetics/Laboratory Corporation of America, LabCorp); PubMed 17551924 (cited by 3 submitters); PubMed 18413255 (cited by Women's Health and Genetics/Laboratory Corporation of America, LabCorp); PubMed 18042262 (cited by 3 submitters); PubMed 29907801 (cited by Women's Health and Genetics/Laboratory Corporation of America, LabCorp); PubMed 27521173 (cited by Women's Health and Genetics/Laboratory Corporation of America, LabCorp and Labcorp Genetics (formerly Invitae), Labcorp).

NM_004333.6(BRAF):c.730A>C (p.Thr244Pro)

Gene: BRAF (B-Raf proto-oncogene, serine/threonine kinase; minus strand). Cytogenetic location: 7q34.
Variant type: single nucleotide variant.
Coding change: c.730A>C on transcript NM_004333.6 (MANE Select); coding-DNA position 730, A replaced by C.
Protein change: p.Thr244Pro; replaces threonine 244 with proline.
Molecular consequence: missense variant.
Genome position (GRCh38, 1-based): chr7:140,801,542, T>G on the plus strand (A>C on the coding strand, the complement: BRAF is on the minus strand). VCF-style: chr7-140801542-T-G. GRCh37 (hg19) VCF-style: chr7-140501342-T-G.
Other names: p.T244P:ACC>CCC; NM_004333.4(BRAF):c.730A>C; c.730A>C, p.Thr244Pro (NM_001354609.2, NM_001374244.1, NM_001374258.1 and 4 more transcripts); c.739A>C, p.Thr247Pro (NM_001378467.1); c.628A>C, p.Thr210Pro (NM_001378470.1); c.574A>C, p.Thr192Pro (NM_001378472.1, NM_001378473.1); c.466A>C, p.Thr156Pro (NM_001378475.1); short protein forms T244P, T156P, T192P, T210P, T247P.
Identifiers: ClinVar variation 40346 (VCV000040346.22), dbSNP rs397507465, ClinGen allele CA280025.